The following is an entry in ClinVar:

ClinVar aggregate classification (germline): Pathogenic/Likely pathogenic. Review status: criteria provided, multiple submitters, no conflicts (2 of 4 stars). 2 submissions from 2 submitters: Pathogenic (1); Likely pathogenic (1). Last evaluated 2022-02-07.

Conditions:
PHEX-related disorder. Also called: PHEX-related condition.
Hypophosphatemic rickets. Identifiers: MedGen C1704375, MeSH D063730, MONDO:0024300, HP:0004912.

Submissions (3):

Laboratory of Cyto-molecular Genetics, Department of Anatomy, All India Institute of Medical Sciences (AIIMS), New Delhi
Classification: Pathogenic for Hypophosphatemic rickets. Last evaluated: 2022-02-07. Review status: criteria provided, single submitter. Criteria: ACMG Guidelines, 2015. Collection method: clinical testing. Allele origin: de novo. Affected: yes. Observed: 1 variant allele.
Comment: NC_000023.10(PHEX_v001):c.1482+2T>A; splice site variant at exon 13-intron 13 junction

Blueprint Genetics
Classification: Likely pathogenic for PHEX-related disorders. Last evaluated: 2021-02-24. Review status: criteria provided, single submitter. Criteria: ACMG Guidelines, 2015. Collection method: clinical testing. Allele origin: germline. Affected: yes. Observed: 2 variant alleles.

Dr. Peter K. Rogan Lab, Western University
No classification provided (evidence only). Condition: Nonpapillary renal cell carcinoma. Review status: no classification provided. Collection method: in vitro. Allele origin: not applicable. Functional consequence: retained intron. Not counted in ClinVar's aggregate classification.

Literature cited by the submitters: PubMed 35738466 (cited by Laboratory of Cyto-molecular Genetics, Department of Anatomy, All India Institute of Medical Sciences (AIIMS), New Delhi).

NM_000444.6(PHEX):c.1482+2T>A

Genes: PHEX (phosphate regulating endopeptidase X-linked; plus strand), PHEX-AS1 (PHEX antisense RNA 1; minus strand). Cytogenetic location: Xp22.11.
Variant type: single nucleotide variant.
Coding change: c.1482+2T>A on transcript NM_000444.6 (MANE Select); the canonical splice donor site of the intron after coding-DNA position 1482, T replaced by A.
Molecular consequence: splice donor variant.
Genome position (GRCh38, 1-based): chrX:22,168,391, T>A. VCF-style: chrX-22168391-T-A. GRCh37 (hg19) VCF-style: chrX-22186508-T-A.
Other names: c.1482+2T>A (NM_001282754.2).
Identifiers: ClinVar variation 1339460 (VCV001339460.5), dbSNP rs1933408913, ClinGen allele CA412574117.
Genomic context (GRCh38, chrX:22,168,391, plus strand): 5'-AAGTTGGCTATCCAGAGTTTATAATGAATGATACTCATGTTAATGAAGACCTCAAAGCTG[T>A]AAGTGCTAAATTTACTGTACTTTTTTTTTTCTGGCAAGTTTTACTGGCCTTGTGCCTTTC-3'